The following is an entry in ClinVar:

ClinVar aggregate classification (germline): Likely pathogenic (1 of 4 stars; one submission).

Conditions:
Holocarboxylase synthetase deficiency. Also called: MULTIPLE CARBOXYLASE DEFICIENCY, EARLY ONSET. Identifiers: Orphanet 79242, MedGen C0268581, MONDO:0009666, OMIM 253270.

Submission:

Labcorp Genetics (formerly Invitae), Labcorp
Classification: Likely pathogenic for Holocarboxylase synthetase deficiency. Last evaluated: 2022-07-17. Review status: criteria provided, single submitter. Criteria: Invitae Variant Classification Sherloc (09022015). Collection method: clinical testing. Allele origin: germline.
Comment: This sequence change affects an acceptor splice site in intron 6 of the HLCS gene. It is expected to disrupt RNA splicing. Variants that disrupt the donor or acceptor splice site typically lead to a loss of protein function (PMID: 16199547), and loss-of-function variants in HLCS are known to be pathogenic (PMID: 16134170). This variant is not present in population databases (gnomAD no frequency). This variant has not been reported in the literature in individuals affected with HLCS-related conditions. Algorithms developed to predict the effect of sequence changes on RNA splicing suggest that this variant may disrupt the consensus splice site. In summary, the currently available evidence indicates that the variant is pathogenic, but additional data are needed to prove that conclusively. Therefore, this variant has been classified as Likely Pathogenic.

Literature cited by the submitters: PubMed 16199547; PubMed 16134170.

NM_001352514.2(HLCS):c.1621-2A>T

Gene: HLCS (holocarboxylase synthetase; minus strand). Cytogenetic location: 21q22.13.
Variant type: single nucleotide variant.
Coding change: c.1621-2A>T on transcript NM_001352514.2 (MANE Select); the canonical splice acceptor site of the intron before coding-DNA position 1621, A replaced by T.
Molecular consequence: splice acceptor variant.
Genome position (GRCh38, 1-based): chr21:36,897,133, T>A on the plus strand (A>T on the coding strand, the complement: HLCS is on the minus strand). VCF-style: chr21-36897133-T-A. GRCh37 (hg19) VCF-style: chr21-38269433-T-A.
Other names: c.1180-2A>T (NM_001352517.1, NM_001242785.2, NM_001352515.2 and 4 more transcripts).
Identifiers: ClinVar variation 2017786 (VCV002017786.4), dbSNP rs750728042, ClinGen allele CA409966839.